The following is an entry in ClinVar:

ClinVar aggregate classification (germline): Pathogenic. Review status: criteria provided, multiple submitters, no conflicts (2 of 4 stars). 4 submissions from 4 submitters: Pathogenic (3). 1 of the submissions does not count toward it. Last evaluated 2025-10-23.

Conditions:
ALMS1-related disorder. Also called: ALMS1-related condition.
Alstrom syndrome (ALMS). Identifiers: Orphanet 64, MedGen C0268425, MONDO:0008763, OMIM 203800.
Cardiovascular phenotype. Identifiers: MedGen CN230736.

Submissions (4):

Ambry Genetics
Classification: Pathogenic for Cardiovascular phenotype. Last evaluated: 2025-10-23. Review status: criteria provided, single submitter. Criteria: Ambry Variant Classification Scheme 2023. Collection method: clinical testing. Allele origin: germline.
Comment: The c.6590delA pathogenic mutation, located in coding exon 8 of the ALMS1 gene, results from a deletion of one nucleotide at nucleotide position 6590, causing a translational frameshift with a predicted alternate stop codon (p.K2197Sfs*10). This variant has been identified in the homozygous state and/or in conjunction with other ALMS1 variant(s) in individual(s) with features consistent with Alstr&ouml;m syndrome (Minton JA et al. J Clin Endocrinol Metab, 2006 Aug;91:3110-6; Pereiro I et al. Eur J Hum Genet, 2011 Apr;19:485-8; Paisey RB et al. Eur J Med Genet, 2014 Feb;57:71-5; Best S et al. J Med Genet, 2022 Dec;59:1151-1164). This variant is considered to be rare based on population cohorts in the Genome Aggregation Database (gnomAD). This alteration is expected to result in loss of function by premature protein truncation or nonsense-mediated mRNA decay. As such, this alteration is interpreted as a disease-causing mutation.

Labcorp Genetics (formerly Invitae), Labcorp
Classification: Pathogenic for Alstrom syndrome. Last evaluated: 2023-09-24. Review status: criteria provided, single submitter. Criteria: Invitae Variant Classification Sherloc (09022015). Collection method: clinical testing. Allele origin: germline.
Comment: For these reasons, this variant has been classified as Pathogenic. ClinVar contains an entry for this variant (Variation ID: 557712). This premature translational stop signal has been observed in individuals with Alstrom Syndrome (PMID: 16720663, 24462884). This variant is not present in population databases (gnomAD no frequency). This sequence change creates a premature translational stop signal (p.Lys2197Serfs*10) in the ALMS1 gene. It is expected to result in an absent or disrupted protein product. Loss-of-function variants in ALMS1 are known to be pathogenic (PMID: 17594715).

Blueprint Genetics
Classification: Pathogenic for ALMS1-related disorders. Last evaluated: 2019-08-27. Review status: criteria provided, single submitter. Criteria: ACMG Guidelines, 2015. Collection method: clinical testing. Allele origin: germline. Affected: yes. Observed: 3 variant alleles.

Counsyl
Classification: Pathogenic for Alstrom syndrome. Last evaluated: 2018-04-12. Review status: no assertion criteria provided. Collection method: clinical testing. Allele origin: unknown. Not counted in ClinVar's aggregate classification.

Literature cited by the submitters: PubMed 16720663 (cited by 3 submitters); PubMed 21157496 (cited by Ambry Genetics); PubMed 24462884 (cited by Ambry Genetics and Labcorp Genetics (formerly Invitae), Labcorp); PubMed 35764379 (cited by Ambry Genetics); PubMed 17594715 (cited by Labcorp Genetics (formerly Invitae), Labcorp); PubMed 28432734 (cited by Counsyl); PubMed 26104972 (cited by Counsyl).

NM_001378454.1(ALMS1):c.6587del (p.Lys2196fs)

Gene: ALMS1 (ALMS1 centrosome and basal body associated protein; plus strand). Cytogenetic location: 2p13.1.
Variant type: Deletion.
Coding change: c.6587del on transcript NM_001378454.1 (MANE Select); coding-DNA position 6587, one base deleted (A; older notation c.6587delA).
Protein change: p.Lys2196fs; shifts the reading frame from lysine 2196.
Molecular consequence: frameshift variant.
Genome position (GRCh38, 1-based): chr2:73,453,114, A deleted; the last of 2 consecutive A bases (chr2:73,453,113-73,453,114); deleting either gives the same sequence. VCF-style (leftmost placement, unchanged base first): chr2-73453112-CA-C. GRCh37 (hg19) VCF-style: chr2-73680239-CA-C.
Other names: c.6590del, p.Lys2197fs (NM_015120.4); c.6590delA (NM_015120.4); short protein forms K2197fs, K2196fs.
Identifiers: ClinVar variation 557712 (VCV000557712.13), dbSNP rs1553404283, ClinGen allele CA658822892.
Genomic context (GRCh38, chr2:73,453,112, plus strand): 5'-TGATCAAATTACCGGATTACAAACAGTTCCCTCTGGTACTTACTCACATGGTGAGAATCA[CA>C]AGCTTGTTTCAGAACATGTCCAAAGGCTAATAGATAATTTGAATTCTTCTGACTCCAGTG-3'